The following is an entry in ClinVar:

ClinVar aggregate classification (germline): Likely benign. Review status: criteria provided, multiple submitters, no conflicts (2 of 4 stars). 2 submissions from 2 submitters: Likely benign (2). Last evaluated 2018-06-20.

Allele frequency attached by ClinVar (database versions not stated): 1000 Genomes Project 0.00899; 1000 Genomes Project 30x 0.00937; gnomAD 0.00983 and 0.01020; TOPMed 0.00989.
gnomAD v4.1: 17,684 of 1,420,074 alleles (1.2%); highest among the groups gnomAD compares: South Asian, 2.8%; 143 homozygotes.

Submissions (12):

GeneDx
Classification: Likely benign. Last evaluated: 2018-06-20. Review status: criteria provided, single submitter. Criteria: GeneDx Variant Classification (06012015). Collection method: clinical testing. Allele origin: germline. Affected: yes.
Comment: This variant is considered likely benign or benign based on one or more of the following criteria: it is a conservative change, it occurs at a poorly conserved position in the protein, it is predicted to be benign by multiple in silico algorithms, and/or has population frequency not consistent with disease.

Breakthrough Genomics
Classification: Likely benign. Review status: criteria provided, single submitter. Criteria: ACMG Guidelines, 2015. Collection method: not provided. Allele origin: germline. Inheritance: Autosomal dominant inheritance. Affected: yes.

Dr. Peter K. Rogan Lab, Western University
No classification provided (evidence only). Condition: Sarcoma. Review status: no classification provided. Collection method: in vitro. Allele origin: not applicable. Functional consequence: retained intron. Not counted in ClinVar's aggregate classification.

Dr. Peter K. Rogan Lab, Western University
No classification provided (evidence only). Condition: Sarcoma. Review status: no classification provided. Collection method: in vitro. Allele origin: not applicable. Functional consequence: retained intron. Not counted in ClinVar's aggregate classification.

Dr. Peter K. Rogan Lab, Western University
No classification provided (evidence only). Condition: Sarcoma. Review status: no classification provided. Collection method: in vitro. Allele origin: not applicable. Functional consequence: retained intron. Not counted in ClinVar's aggregate classification.

Dr. Peter K. Rogan Lab, Western University
No classification provided (evidence only). Condition: Thymoma. Review status: no classification provided. Collection method: in vitro. Allele origin: not applicable. Functional consequence: retained intron. Not counted in ClinVar's aggregate classification.

Dr. Peter K. Rogan Lab, Western University
No classification provided (evidence only). Condition: Ovarian serous cystadenocarcinoma. Review status: no classification provided. Collection method: in vitro. Allele origin: not applicable. Functional consequence: retained intron. Not counted in ClinVar's aggregate classification.

Dr. Peter K. Rogan Lab, Western University
No classification provided (evidence only). Condition: Nonpapillary renal cell carcinoma. Review status: no classification provided. Collection method: in vitro. Allele origin: not applicable. Functional consequence: retained intron. Not counted in ClinVar's aggregate classification.

Dr. Peter K. Rogan Lab, Western University
No classification provided (evidence only). Condition: Familial pancreatic carcinoma. Review status: no classification provided. Collection method: in vitro. Allele origin: not applicable. Functional consequence: retained intron. Not counted in ClinVar's aggregate classification.

Dr. Peter K. Rogan Lab, Western University
No classification provided (evidence only). Condition: Familial pancreatic carcinoma. Review status: no classification provided. Collection method: in vitro. Allele origin: not applicable. Functional consequence: retained intron. Not counted in ClinVar's aggregate classification.

Dr. Peter K. Rogan Lab, Western University
No classification provided (evidence only). Condition: Lymphoma. Review status: no classification provided. Collection method: in vitro. Allele origin: not applicable. Functional consequence: retained intron. Not counted in ClinVar's aggregate classification.

Dr. Peter K. Rogan Lab, Western University
No classification provided (evidence only). Condition: Uterine corpus endometrial carcinoma. Review status: no classification provided. Collection method: in vitro. Allele origin: not applicable. Functional consequence: retained intron. Not counted in ClinVar's aggregate classification.

NM_001035.3(RYR2):c.3214+80G>T

Gene: RYR2 (ryanodine receptor 2; plus strand). Cytogenetic location: 1q43.
Variant type: single nucleotide variant.
Coding change: c.3214+80G>T on transcript NM_001035.3 (MANE Select); 80 bases into the intron after coding-DNA position 3214, G replaced by T.
Molecular consequence: intron variant.
Genome position (GRCh38, 1-based): chr1:237,550,771, G>T. VCF-style: chr1-237550771-G-T. GRCh37 (hg19) VCF-style: chr1-237714071-G-T.
Other names: NC_000001.10:g.237714071G>T.
Identifiers: ClinVar variation 673141 (VCV000673141.3), dbSNP rs138346854, ClinGen allele CA39811707.